The following is an entry in ClinVar:

ClinVar aggregate classification (germline): Benign/Likely benign. Review status: criteria provided, multiple submitters, no conflicts (2 of 4 stars). 3 submissions from 3 submitters: Benign (1); Likely benign (2). Last evaluated 2026-04-06.

Conditions:
Hereditary cancer-predisposing syndrome. Also called: Tumor predisposition; Hereditary Cancer Syndrome; Neoplastic Syndromes, Hereditary; Hereditary neoplastic syndrome. Identifiers: Orphanet 140162, MedGen C0027672, MeSH D009386, MONDO:0015356.
Familial cancer of breast. Also called: hereditary breast carcinoma; Hereditary breast cancer; BREAST CANCER, FAMILIAL. Identifiers: Orphanet 227535, MedGen C0346153, MONDO:0016419, OMIM 114480. Disease mechanism: loss of function.

gnomAD v4.1: 1 of 1,614,024 alleles (0.000062%); highest among the groups gnomAD compares: Non-Finnish European, 0.000085%; no homozygotes.

Submissions (3):

Ambry Genetics
Classification: Likely benign for Hereditary cancer-predisposing syndrome. Last evaluated: 2026-04-06. Review status: criteria provided, single submitter. Criteria: Ambry Variant Classification Scheme 2023. Collection method: clinical testing. Allele origin: germline.

Myriad Genetics, Inc.
Classification: Benign for Familial cancer of breast. Last evaluated: 2024-05-10. Review status: criteria provided, single submitter. Criteria: Myriad Autosomal Dominant, Autosomal Recessive and X-Linked Classification Criteria (2023). Collection method: clinical testing. Allele origin: unknown.
Comment: This variant is considered benign. This variant is a silent/synonymous amino acid change and it is not expected to impact splicing.

Color Diagnostics, LLC DBA Color Health
Classification: Likely benign for Hereditary cancer-predisposing syndrome. Last evaluated: 2018-02-15. Review status: criteria provided, single submitter. Criteria: ACMG Guidelines, 2015. Collection method: clinical testing. Allele origin: germline.

NM_000051.4(ATM):c.2770C>A (p.Arg924=)

Gene: ATM (ATM serine/threonine kinase; plus strand). Cytogenetic location: 11q22.3.
Variant type: single nucleotide variant.
Coding change: c.2770C>A on transcript NM_000051.4 (MANE Select); coding-DNA position 2770, C replaced by A.
Protein change: p.Arg924=; no amino-acid change (arginine 924 retained).
Molecular consequence: synonymous variant.
Genome position (GRCh38, 1-based): chr11:108,268,541, C>A. VCF-style: chr11-108268541-C-A. GRCh37 (hg19) VCF-style: chr11-108139268-C-A.
Other names: c.2770C>A, p.Arg924= (NM_001351834.2).
Identifiers: ClinVar variation 627866 (VCV000627866.4), dbSNP rs55723361, ClinGen allele CA476673950.
Genomic context (GRCh38, chr11:108,268,541, plus strand): 5'-TTGTGTTTGTGTGTAACTACTGCTCAGACCAATACTGTGTCCTTTAGGGCAGCTGATATT[C>A]GGAGGAAATTGTTAATGTTAATTGATTCTAGCACGCTAGAACCTACCAAATCCCTCCACC-3'
Protein context (NP_000042.3, residues 914-934): NTVSFRAADI[Arg924=]RKLLMLIDSS